The following is an entry in ClinVar:

NM_178857.6(RP1L1):c.2498C>T (p.Pro833Leu)

Gene: RP1L1 (RP1 like 1). Cytogenetic location: 8p23.1.
Variant type: single nucleotide variant.
Coding change: c.2498C>T on transcript NM_178857.6 (MANE Select); coding-DNA position 2498, C replaced by T.
Protein change: p.Pro833Leu; replaces proline 833 with leucine.
Molecular consequence: missense variant.
Genome position (GRCh38, 1-based): chr8:10,611,600, G>A on the plus strand (C>T on the coding strand, the complement: RP1L1 is on the minus strand). VCF-style: chr8-10611600-G-A. GRCh37 (hg19) VCF-style: chr8-10469110-G-A.
Other names: short protein forms P833L.
Identifiers: ClinVar variation 909415 (VCV000909415.7), dbSNP rs562405102, ClinGen allele CA4624807.

ClinVar aggregate classification (germline): Conflicting classifications of pathogenicity. Review status: criteria provided, conflicting classifications (1 of 4 stars). 3 submissions from 3 submitters: Uncertain significance (1); Likely benign (2). Last evaluated 2026-03-05.

Conditions:
Occult macular dystrophy (OCMD). Also called: OMD; OCCULT MACULAR DYSTROPHY, SUSCEPTIBILITY TO. Identifiers: Orphanet 247834, MedGen C3150833, MONDO:0013316, OMIM 613587, HP:0030636.
RP1L1-related disorder. Also called: RP1L1-related condition.
Inborn genetic diseases. Identifiers: MedGen C0950123, MeSH D030342.

Allele frequency attached by ClinVar (database versions not stated): TOPMed 0.00003; ExAC 0.00005; gnomAD exomes 0.00007.
gnomAD v4.1: 72 of 1,612,050 alleles (0.0045%); highest among the groups gnomAD compares: Middle Eastern, 0.066%; no homozygotes.

Submissions (3):

PreventionGenetics, part of Exact Sciences
Classification: Uncertain significance for RP1L1-related condition. Last evaluated: 2026-03-05. Review status: criteria provided, single submitter. Criteria: ACMG Guidelines, 2015. Collection method: clinical testing. Allele origin: germline.
Comment: The RP1L1 c.2498C>T variant is predicted to result in the amino acid substitution p.Pro833Leu. To our knowledge, this variant has not been reported in the literature. This variant is reported in 0.033% of alleles in individuals of South Asian descent in gnomAD. At this time, the clinical significance of this variant is uncertain due to the absence of conclusive functional and genetic evidence.

Ambry Genetics
Classification: Likely benign for Inborn genetic diseases. Last evaluated: 2022-09-14. Review status: criteria provided, single submitter. Criteria: Ambry Variant Classification Scheme 2023. Collection method: clinical testing. Allele origin: germline.

Illumina Laboratory Services, Illumina
Classification: Likely benign for Occult macular dystrophy. Last evaluated: 2018-01-13. Review status: criteria provided, single submitter. Criteria: ICSL Variant Classification Criteria 13 December 2019. Collection method: clinical testing. Allele origin: germline.
Comment: This variant was observed in the ICSL laboratory as part of a predisposition screen in an ostensibly healthy population. It had not been previously curated by ICSL or reported in the Human Gene Mutation Database (HGMD: prior to June 1st, 2018), and was therefore a candidate for classification through an automated scoring system. Utilizing variant allele frequency, disease prevalence and penetrance estimates, and inheritance mode, an automated score was calculated to assess if this variant is too frequent to cause the disease. Based on the score and internal cut-off values, a variant classified as likely benign is not then subjected to further curation. The score for this variant resulted in a classification of likely benign for this disease.